The following is an entry in ClinVar:

NM_000237.3(LPL):c.835_836del (p.Leu279fs)

Gene: LPL (lipoprotein lipase; plus strand). Cytogenetic location: 8p21.3.
Variant type: Microsatellite.
Coding change: c.835_836del on transcript NM_000237.3 (MANE Select); coding-DNA positions 835 to 836, 2 bases deleted (CT; older notation c.835_836delCT).
Protein change: p.Leu279fs; shifts the reading frame from leucine 279.
Molecular consequence: frameshift variant.
Genome position (GRCh38, 1-based): chr8:19,955,900-19,955,901, CT deleted; deleting any 2 consecutive bases within chr8:19,955,896-19,955,901 gives the same sequence; the c. name uses the placement nearest the transcript's 3' end. VCF-style (leftmost placement, unchanged base first): chr8-19955895-ACT-A. GRCh37 (hg19) VCF-style: chr8-19813406-ACT-A.
Other names: short protein forms L279fs.
Identifiers: ClinVar variation 4817965 (VCV004817965.1).

ClinVar aggregate classification (germline): Pathogenic (1 of 4 stars; one submission).

Conditions:
Hyperlipoproteinemia, type I. Also called: HYPERLIPOPROTEINEMIA, TYPE IA; LPL DEFICIENCY; Hyperlipoproteinemia type 1; Hyperchylomicro-nemia familial; Familial chylomicronemia; Hyperlipemia idiopathic Burger-Grutz type. Identifiers: Orphanet 309015, Orphanet 444490, MedGen C0023817, MONDO:0009387, OMIM 238600. Disease mechanism: loss of function.

Submission:

Natera, Inc.
Classification: Pathogenic for Lipoprotein lipase deficiency. Last evaluated: 2025-08-28. Review status: criteria provided, single submitter. Criteria: Natera Variant Classification Schema (03/2026). Collection method: clinical testing. Allele origin: germline.
Comment: The c.835_836del variant in LPL is a frameshift variant predicted to shift the reading frame beginning at codon 279 and leads to a stop codon 3 codons downstream. This variant is expected to result in nonsense mediated decay, truncation, or a dysfunctional protein product. This variant is rare in the general population with a frequency below the threshold expected for the associated phenotype(s). This variant has been observed in one or more individuals affected with the associated recessive disease, as either homozygous or compound heterozygous with a second variant (PMID: 35923617). Given the available evidence, this variant is classified as Pathogenic.

Literature cited by the submitters: PubMed 35923617.